The following is an entry in ClinVar:

ClinVar aggregate classification (germline): Pathogenic. Review status: criteria provided, multiple submitters, no conflicts (2 of 4 stars). 2 submissions from 2 submitters: Pathogenic (2). Last evaluated 2022-11-18.

Conditions:
Neurofibromatosis, type 1 (NF1). Also called: Neurofibromatosis, type I; Peripheral type neurofibromatosis; VON RECKLINGHAUSEN DISEASE; NEUROFIBROMATOSIS, TYPE I, SOMATIC. Identifiers: Orphanet 636, MedGen C0027831, MONDO:0018975, OMIM 162200. Disease mechanism: loss of function.

Submissions (2):

Labcorp Genetics (formerly Invitae), Labcorp
Classification: Pathogenic for Neurofibromatosis, type 1. Last evaluated: 2022-11-18. Review status: criteria provided, single submitter. Criteria: Invitae Variant Classification Sherloc (09022015). Collection method: clinical testing. Allele origin: germline.
Comment: For these reasons, this variant has been classified as Pathogenic. ClinVar contains an entry for this variant (Variation ID: 439999). This variant has not been reported in the literature in individuals affected with NF1-related conditions. This variant is not present in population databases (gnomAD no frequency). This sequence change creates a premature translational stop signal (p.Glu2409*) in the NF1 gene. It is expected to result in an absent or disrupted protein product. Loss-of-function variants in NF1 are known to be pathogenic (PMID: 10712197, 23913538).

ARUP Laboratories, Molecular Genetics and Genomics, ARUP Laboratories
Classification: Pathogenic. Last evaluated: 2017-02-28. Review status: criteria provided, single submitter. Criteria: ARUP Molecular Germline Variant Investigation Process. Collection method: clinical testing. Allele origin: germline.

Literature cited by the submitters: PubMed 10712197 (cited by Labcorp Genetics (formerly Invitae), Labcorp); PubMed 23913538 (cited by Labcorp Genetics (formerly Invitae), Labcorp).

NM_001042492.3(NF1):c.7288G>T (p.Glu2430Ter)

Gene: NF1 (neurofibromin 1; plus strand). Cytogenetic location: 17q11.2.
Variant type: single nucleotide variant.
Coding change: c.7288G>T on transcript NM_001042492.3 (MANE Select); coding-DNA position 7288, G replaced by T.
Protein change: p.Glu2430Ter; replaces glutamic acid 2430 with a stop codon.
Molecular consequence: nonsense.
Genome position (GRCh38, 1-based): chr17:31,349,218, G>T. VCF-style: chr17-31349218-G-T. GRCh37 (hg19) VCF-style: chr17-29676236-G-T.
Other names: c.7225G>T, p.Glu2409Ter (NM_000267.4); short protein forms E2409*, E2430*.
Identifiers: ClinVar variation 439999 (VCV000439999.12), dbSNP rs1555536035, ClinGen allele CA399016860.